The following is an entry in ClinVar:

NM_172107.4(KCNQ2):c.300CCT[1] (p.Leu102del)

Gene: KCNQ2 (potassium voltage-gated channel subfamily Q member 2; minus strand). Cytogenetic location: 20q13.33.
Variant type: Microsatellite.
Coding change: c.300CCT[1] on transcript NM_172107.4 (MANE Select); one copy of the 3-base unit CCT starting at c.300; the reference has two copies in a row; one copy, 3 bases deleted.
Protein change: p.Leu102del; deletes leucine 102.
Molecular consequence: inframe deletion, initiator codon variant.
Genome position (GRCh38, 1-based): chr20:63,446,829-63,446,831, AGG deleted on the plus strand (CCT on the coding strand, the reverse complement: KCNQ2 is on the minus strand); deleting any 3 consecutive bases within chr20:63,446,829-63,446,835 gives the same sequence; the position shown is the placement nearest the transcript's 3' end. VCF-style (leftmost placement, unchanged base first): chr20-63446828-CAGG-C. GRCh37 (hg19) VCF-style: chr20-62078181-CAGG-C.
Other names: c.300CCT[1], p.Leu102del (NM_001382235.1, NM_004518.6, NM_172106.3 and 2 more transcripts); short protein forms L102del.
Identifiers: ClinVar variation 421903 (VCV000421903.6), dbSNP rs1064795435, ClinGen allele CA16620980.

ClinVar aggregate classification (germline): Likely pathogenic. Review status: criteria provided, multiple submitters, no conflicts (2 of 4 stars). 2 submissions from 2 submitters: Likely pathogenic (2). Last evaluated 2023-06-30.

Conditions:
Early-infantile DEE. Also called: Early infantile epileptic encephalopathy with suppression bursts; Ohtahara syndrome; Early infantile epileptic encephalopathy. Identifiers: Orphanet 1934, MedGen C0393706, MONDO:0800491.

Submissions (2):

Labcorp Genetics (formerly Invitae), Labcorp
Classification: Likely pathogenic for Early-infantile DEE. Last evaluated: 2023-06-30. Review status: criteria provided, single submitter. Criteria: Invitae Variant Classification Sherloc (09022015). Collection method: clinical testing. Allele origin: germline.
Comment: This variant is not present in population databases (gnomAD no frequency). In summary, the currently available evidence indicates that the variant is pathogenic, but additional data are needed to prove that conclusively. Therefore, this variant has been classified as Likely Pathogenic. ClinVar contains an entry for this variant (Variation ID: 421903). This variant has been observed in individual(s) with clinical features of developmental and epileptic encephalopathy (Invitae). In at least one individual the variant was observed to be de novo. This variant, c.303_305del, results in the deletion of 1 amino acid(s) of the KCNQ2 protein (p.Leu102del), but otherwise preserves the integrity of the reading frame.

GeneDx
Classification: Likely pathogenic. Last evaluated: 2016-09-09. Review status: criteria provided, single submitter. Criteria: GeneDx Variant Classification (06012015). Collection method: clinical testing. Allele origin: germline. Affected: yes.
Comment: An apparently de novo c.303_305delCCT variant that is likely pathogenic has been identified in the KCNQ2 gene. The c.303_305delCCT variant has not been published as a pathogenic variant, nor has it been reported as a benign variant to our knowledge. It was not observed in approximately 6,500 individuals of European and African American ancestry in the NHLBI Exome Sequencing Project, indicating it is not a common benign variant in these populations. The c.303_305delCCT variant results in an in-frame deletion of a single Leucine residue, denoted p.Leu102del. The c.303_305delCCT variant deletes a residue that is conserved across species, and other in-frame variants have been reported in the Human Gene Mutation Database in association with KCNQ2-related disorders (Stenson et al., 2014). Therefore, we now interpret c.303_305delCCT as a likely pathogenic variant; however, the possibility that it is benign cannot be excluded.